The following is an entry in ClinVar:

ClinVar aggregate classification (germline): Uncertain significance (1 of 4 stars; one submission).

gnomAD v4.1: 20 of 1,608,730 alleles (0.0012%); highest among the groups gnomAD compares: Admixed American, 0.005%; no homozygotes.

Submission:

GeneDx
Classification: Uncertain significance. Last evaluated: 2023-12-28. Review status: criteria provided, single submitter. Criteria: GeneDx Variant Classification Process June 2021. Collection method: clinical testing. Allele origin: germline. Affected: yes.
Comment: Nucleotide substitution has no predicted effect on splicing and is not conserved across species; Creates a new ATG site upstream of the initiation codon, but in the absence of functional studies, the actual effect of this sequence change is unknown.; Has not been previously published as pathogenic or benign to our knowledge; Not observed at significant frequency in large population cohorts (gnomAD)

NM_144997.7(FLCN):c.-24-5C>T

Gene: FLCN (folliculin; minus strand). Cytogenetic location: 17p11.2.
Variant type: single nucleotide variant.
Coding change: c.-24-5C>T on transcript NM_144997.7 (MANE Select); 5 bases into the intron before 24 bases upstream of the start codon, C replaced by T.
Molecular consequence: intron variant.
Genome position (GRCh38, 1-based): chr17:17,228,166, G>A on the plus strand (C>T on the coding strand, the complement: FLCN is on the minus strand). VCF-style: chr17-17228166-G-A. GRCh37 (hg19) VCF-style: chr17-17131480-G-A.
Other names: c.-24-5C>T (NM_001353231.2, NM_001353230.2, NM_001353229.2 and 1 more transcripts).
Identifiers: ClinVar variation 3343584 (VCV003343584.1).